The following is an entry in ClinVar:

NM_025103.4(IFT74):c.152G>A (p.Arg51His)

Gene: IFT74 (intraflagellar transport 74; plus strand). Cytogenetic location: 9p21.2.
Variant type: single nucleotide variant.
Coding change: c.152G>A on transcript NM_025103.4 (MANE Select); coding-DNA position 152, G replaced by A.
Protein change: p.Arg51His; replaces arginine 51 with histidine.
Molecular consequence: missense variant.
Genome position (GRCh38, 1-based): chr9:26,978,159, G>A. VCF-style: chr9-26978159-G-A. GRCh37 (hg19) VCF-style: chr9-26978157-G-A.
Other names: c.152G>A (NM_025103.2, NM_001099222.1, NM_025103.3); c.152G>A, p.Arg51His (NM_001099222.3, NM_001099223.3, NM_001099224.3 and 1 more transcripts); short protein forms R51H.
Identifiers: ClinVar variation 1415312 (VCV001415312.11), dbSNP rs73436007, ClinGen allele CA5014833.

ClinVar aggregate classification (germline): Uncertain significance. Review status: criteria provided, multiple submitters, no conflicts (2 of 4 stars). 5 submissions from 5 submitters: Uncertain significance (4). 1 of the submissions does not count toward it. Last evaluated 2026-04-21.

Conditions:
IFT74-related disorder. Also called: IFT74-related condition; IFT74-Related Disorders.
Joubert syndrome 40. Identifiers: MedGen C5562007, MONDO:0030462, OMIM 619582.
Inborn genetic diseases. Identifiers: MedGen C0950123, MeSH D030342.
Retinal dystrophy. Also called: Inherited retinal dystrophy. Identifiers: Orphanet 71862, MedGen C0854723, MeSH D058499, MONDO:0019118, HP:0000556.

Allele frequency attached by ClinVar (database versions not stated): ESP Exome Variant Server 0.00025; TOPMed 0.00028; 1000 Genomes Project 0.00040; 1000 Genomes Project 30x 0.00047.
gnomAD v4.1: 88 of 1,608,346 alleles (0.0055%); highest among the groups gnomAD compares: African/African-American, 0.083%; no homozygotes.

Submissions (5):

PreventionGenetics, part of Exact Sciences
Classification: Uncertain significance for IFT74-related condition. Last evaluated: 2026-04-21. Review status: criteria provided, single submitter. Criteria: ACMG Guidelines, 2015. Collection method: clinical testing. Allele origin: germline.
Comment: The IFT74 c.152G>A variant is predicted to result in the amino acid substitution p.Arg51His. This variant was reported in a cohort of individuals diagnosed with Joubert syndrome, although its pathogenicity was not established (Table S2, Luo et al. 2021. PubMed ID: 33531668). This variant is reported in 0.092% of alleles in individuals of African descent in gnomAD, which may be too common to be a primary cause of disease. Although we suspect that this variant may be benign, at this time, the clinical significance of this variant is uncertain due to the absence of conclusive functional and genetic evidence.

Ambry Genetics
Classification: Uncertain significance for Inborn genetic diseases. Last evaluated: 2024-11-16. Review status: criteria provided, single submitter. Criteria: Ambry Variant Classification Scheme 2023. Collection method: clinical testing. Allele origin: germline.

Labcorp Genetics (formerly Invitae), Labcorp
Classification: Uncertain significance. Last evaluated: 2024-10-16. Review status: criteria provided, single submitter. Criteria: Invitae Variant Classification Sherloc (09022015). Collection method: clinical testing. Allele origin: germline.
Comment: This sequence change replaces arginine, which is basic and polar, with histidine, which is basic and polar, at codon 51 of the IFT74 protein (p.Arg51His). This variant is present in population databases (rs73436007, gnomAD 0.09%). This variant has not been reported in the literature in individuals affected with IFT74-related conditions. ClinVar contains an entry for this variant (Variation ID: 1415312). An algorithm developed to predict the effect of missense changes on protein structure and function (PolyPhen-2) suggests that this variant is likely to be disruptive. In summary, the available evidence is currently insufficient to determine the role of this variant in disease. Therefore, it has been classified as a Variant of Uncertain Significance.

New York Genome Center
Classification: Uncertain significance for Joubert syndrome 40. Last evaluated: 2022-04-15. Review status: criteria provided, single submitter. Criteria: NYGC Assertion Criteria 2020. Collection method: clinical testing. Allele origin: germline. Observed: 1 heterozygote.

Institute of Human Genetics, Univ. Regensburg, Univ. Regensburg
Classification: Uncertain significance for Retinal dystrophy. Last evaluated: 2023-01-01. Review status: no assertion criteria provided. Criteria: ACMG Guidelines, 2015. Collection method: clinical testing. Allele origin: germline. Affected: yes. Not counted in ClinVar's aggregate classification.